The following is an entry in ClinVar:

ClinVar aggregate classification (germline): Benign. Review status: criteria provided, multiple submitters, no conflicts (2 of 4 stars). 3 submissions from 3 submitters: Benign (3). Last evaluated 2021-06-09.

Allele frequency attached by ClinVar (database versions not stated): ESP Exome Variant Server 0.31804; gnomAD 0.35673 and 0.35959; TOPMed 0.36385; gnomAD exomes 0.36971 and 0.38689; 1000 Genomes Project 30x 0.38851; 1000 Genomes Project 0.39277; ExAC 0.43955.
gnomAD v4.1: 585,091 of 1,586,682 alleles (37%); highest among the groups gnomAD compares: East Asian, 60%; 109,515 homozygotes.

Submissions (4):

GeneDx
Classification: Benign. Last evaluated: 2021-06-09. Review status: criteria provided, single submitter. Criteria: GeneDx Variant Classification Process June 2021. Collection method: clinical testing. Allele origin: germline. Affected: yes.

Laboratory for Molecular Medicine, Mass General Brigham Personalized Medicine
Classification: Benign. Last evaluated: 2013-02-21. Review status: criteria provided, single submitter. Criteria: LMM Criteria. Collection method: clinical testing. Allele origin: germline. Observed: 73 variant alleles.
Comment: Cys355Cys in exon 9 of MUC5B: This variant is not expected to have clinical sign ificance because it does not alter an amino acid residue and is not located with in the splice consensus sequence. It has been identified in 34.7% (2915/8394) of European American chromosomes from a broad population by the NHLBI Exome Sequen cing Project (dbSNP rs2075859).

Breakthrough Genomics
Classification: Benign. Review status: criteria provided, single submitter. Criteria: ACMG Guidelines, 2015. Collection method: not provided. Allele origin: germline. Inheritance: Autosomal dominant inheritance. Affected: yes.

Dr. Peter K. Rogan Lab, Western University
No classification provided (evidence only). Condition: Germ cell tumor of testis. Review status: no classification provided. Collection method: in vitro. Allele origin: not applicable. Functional consequence: retained intron. Not counted in ClinVar's aggregate classification.

NM_002458.3(MUC5B):c.1065C>T (p.Cys355=)

Gene: MUC5B (mucin 5B, oligomeric mucus/gel-forming; plus strand). Cytogenetic location: 11p15.5.
Variant type: single nucleotide variant.
Coding change: c.1065C>T on transcript NM_002458.3 (MANE Select); coding-DNA position 1065, C replaced by T.
Protein change: p.Cys355=; no amino-acid change (cysteine 355 retained).
Molecular consequence: synonymous variant.
Genome position (GRCh38, 1-based): chr11:1,229,258, C>T. VCF-style: chr11-1229258-C-T. GRCh37 (hg19) VCF-style: chr11-1250488-C-T.
Identifiers: ClinVar variation 178786 (VCV000178786.8), dbSNP rs2075859, ClinGen allele CA183037.
Genomic context (GRCh38, chr11:1,229,258, plus strand): 5'-CCAGGAGTGTGGCTCACCCTGCACGGACACCTGCTCCAACCCCCAGCGCGCGCAGCTCTG[C>T]GAGGACCACTGTGTGGACGGCTGCTTCTGCCCCCCAGGCAGGTCTTGTGTGCCCTGAACC-3'
Protein context (NP_002449.2, residues 345-365): TCSNPQRAQL[Cys355=]EDHCVDGCFC